The following is an entry in ClinVar:

NM_017491.5(WDR1):c.1222G>A (p.Val408Ile)

Gene: WDR1 (WD repeat domain 1; minus strand). Cytogenetic location: 4p16.1.
Variant type: single nucleotide variant.
Coding change: c.1222G>A on transcript NM_017491.5 (MANE Select); coding-DNA position 1222, G replaced by A.
Protein change: p.Val408Ile; replaces valine 408 with isoleucine.
Molecular consequence: missense variant.
Genome position (GRCh38, 1-based): chr4:10,081,419, C>T on the plus strand (G>A on the coding strand, the complement: WDR1 is on the minus strand). VCF-style: chr4-10081419-C-T. GRCh37 (hg19) VCF-style: chr4-10083043-C-T.
Other names: c.802G>A, p.Val268Ile (NM_005112.5); c.1222G>A (NM_017491.3); short protein forms V268I, V408I.
Identifiers: ClinVar variation 1879602 (VCV001879602.29), dbSNP rs370326840, ClinGen allele CA2857677.

ClinVar aggregate classification (germline): Uncertain significance. Review status: criteria provided, multiple submitters, no conflicts (2 of 4 stars). 2 submissions from 2 submitters: Uncertain significance (2). Last evaluated 2025-04-14.

Conditions:
Inborn genetic diseases. Identifiers: MedGen C0950123, MeSH D030342.

Allele frequency attached by ClinVar (database versions not stated): TOPMed 0.00002; gnomAD 0.00003; ExAC 0.00005; ESP Exome Variant Server 0.00016.
gnomAD v4.1: 27 of 1,613,802 alleles (0.0017%); highest among the groups gnomAD compares: South Asian, 0.0044%; no homozygotes.

Submissions (2):

Ambry Genetics
Classification: Uncertain significance for Inborn genetic diseases. Last evaluated: 2025-04-14. Review status: criteria provided, single submitter. Criteria: Ambry Variant Classification Scheme 2023. Collection method: clinical testing. Allele origin: germline.

CeGaT Center for Human Genetics Tuebingen
Classification: Uncertain significance. Last evaluated: 2022-11-01. Review status: criteria provided, single submitter. Criteria: CeGaT Center For Human Genetics Tuebingen Variant Classification Criteria Version 2. Collection method: clinical testing. Allele origin: germline. Affected: yes. Observed: 1 variant allele.
Comment: WDR1: PM2, BP4